The following is an entry in ClinVar:

ClinVar aggregate classification (germline): Uncertain significance. Review status: criteria provided, multiple submitters, no conflicts (2 of 4 stars). 2 submissions from 2 submitters: Uncertain significance (2). Last evaluated 2025-08-23.

Conditions:
Inborn genetic diseases. Identifiers: MedGen C0950123, MeSH D030342.
Schwartz-Jampel syndrome. Also called: Myotonic myopathy dwarfism chondrodystrophy and ocular and facial abnormalities. Identifiers: Orphanet 800, MedGen C0036391, MONDO:0009717.

Allele frequency attached by ClinVar (database versions not stated): TOPMed 0.00002.
gnomAD v4.1: 50 of 1,613,620 alleles (0.0031%); highest among the groups gnomAD compares: Non-Finnish European, 0.0039%; no homozygotes.

Submissions (2):

Ambry Genetics
Classification: Uncertain significance for Inborn genetic diseases. Last evaluated: 2025-08-23. Review status: criteria provided, single submitter. Criteria: Ambry Variant Classification Scheme 2023. Collection method: clinical testing. Allele origin: germline.

Baylor Genetics
Classification: Uncertain significance for Schwartz-Jampel syndrome type 1. Last evaluated: 2020-10-08. Review status: criteria provided, single submitter. Criteria: ACMG Guidelines, 2015. Collection method: clinical testing. Allele origin: unknown. Affected: yes.
Comment: This variant was determined to be of uncertain significance according to ACMG Guidelines, 2015 [PMID:25741868].

NM_005529.7(HSPG2):c.6520G>A (p.Val2174Met)

Genes: HSPG2 (heparan sulfate proteoglycan 2; minus strand), LOC126805655 (CDK7 strongly-dependent group 2 enhancer GRCh37_chr1:22178409-22179608; plus strand). Cytogenetic location: 1p36.12.
Variant type: single nucleotide variant.
Coding change: c.6520G>A on transcript NM_005529.7 (MANE Select); coding-DNA position 6520, G replaced by A.
Protein change: p.Val2174Met; replaces valine 2174 with methionine.
Molecular consequence: missense variant.
Genome position (GRCh38, 1-based): chr1:21,852,990, C>T on the plus strand (G>A on the coding strand, the complement: HSPG2 is on the minus strand). VCF-style: chr1-21852990-C-T. GRCh37 (hg19) VCF-style: chr1-22179483-C-T.
Other names: c.6523G>A, p.Val2175Met (NM_001291860.2); short protein forms V2174M, V2175M.
Identifiers: ClinVar variation 1029969 (VCV001029969.2), dbSNP rs777069767, ClinGen allele CA671518.